The following is an entry in ClinVar:

NM_001142800.2(EYS):c.8096T>C (p.Phe2699Ser)

Gene: EYS (EGF-like photoreceptor maintenance factor; minus strand). Cytogenetic location: 6q12.
Variant type: single nucleotide variant.
Coding change: c.8096T>C on transcript NM_001142800.2 (MANE Select); coding-DNA position 8096, T replaced by C.
Protein change: p.Phe2699Ser; replaces phenylalanine 2699 with serine.
Molecular consequence: missense variant.
Genome position (GRCh38, 1-based): chr6:63,726,656, A>G on the plus strand (T>C on the coding strand, the complement: EYS is on the minus strand). VCF-style: chr6-63726656-A-G. GRCh37 (hg19) VCF-style: chr6-64436549-A-G.
Other names: c.8159T>C, p.Phe2720Ser (NM_001292009.2); short protein forms F2699S, F2720S.
Identifiers: ClinVar variation 3385117 (VCV003385117.2).

ClinVar aggregate classification (germline): Uncertain significance. Review status: criteria provided, multiple submitters, no conflicts (2 of 4 stars). 2 submissions from 2 submitters: Uncertain significance (2). Last evaluated 2026-05-05.

Conditions:
Retinitis pigmentosa 25 (RP25). Identifiers: Orphanet 791, MedGen C1864446, MONDO:0011272, OMIM 602772.

gnomAD v4.1: 1 of 1,551,318 alleles (0.000064%); highest among the groups gnomAD compares: East Asian, 0.0024%; no homozygotes.

Submissions (2):

Myriad Genetics, Inc.
Classification: Uncertain significance for Retinitis pigmentosa 25. Last evaluated: 2026-05-05. Review status: criteria provided, single submitter. Criteria: Myriad Autosomal Dominant, Autosomal Recessive and X-Linked Classification Criteria (2023). Collection method: clinical testing. Allele origin: unknown.
Comment: NM_001142800.1(EYS):c.8096T>C(F2699S) is a missense variant classified as a variant of uncertain significance in the context of retinitis pigmentosa, EYS-related. F2699S has been observed in cases with relevant disease (PMID: 36729443, 34178978, 29641573). Relevant functional assessments of this variant are not available in the literature. F2699S has been observed in referenced population frequency databases. In summary, there is insufficient evidence to classify NM_001142800.1(EYS):c.8096T>C(F2699S) as pathogenic or benign. Please note: this variant was assessed in the context of healthy population screening.

Women's Health and Genetics/Laboratory Corporation of America, LabCorp
Classification: Uncertain significance. Last evaluated: 2024-10-23. Review status: criteria provided, single submitter. Criteria: LabCorp Variant Classification Summary - May 2015. Collection method: clinical testing. Allele origin: germline.
Comment: Variant summary: EYS c.8096T>C (p.Phe2699Ser) results in a non-conservative amino acid change in the encoded protein sequence. Five of five in-silico tools predict a damaging effect of the variant on protein function. The variant allele was found at a frequency of 6.5e-06 in 153370 control chromosomes. The available data on variant occurrences in the general population are insufficient to allow any conclusion about variant significance. c.8096T>C has been reported in the literature in individuals affected with Retinitis Pigmentosa (Gao_2022). These data do not allow any conclusion about variant significance. To our knowledge, no experimental evidence demonstrating an impact on protein function has been reported. The following publication have been ascertained in the context of this evaluation (PMID: 34689181). No submitters have cited clinical-significance assessments for this variant to ClinVar. Based on the evidence outlined above, the variant was classified as uncertain significance.

Literature cited by the submitters: PubMed 29641573 (cited by Myriad Genetics, Inc.); PubMed 34178978 (cited by Myriad Genetics, Inc.); PubMed 36729443 (cited by Myriad Genetics, Inc.); PubMed 34689181 (cited by Women's Health and Genetics/Laboratory Corporation of America, LabCorp).